The following is an entry in ClinVar:

ClinVar aggregate classification (germline): Uncertain significance. Review status: criteria provided, multiple submitters, no conflicts (2 of 4 stars). 2 submissions from 2 submitters: Uncertain significance (2). Last evaluated 2025-01-20.

Conditions:
Epidermodysplasia verruciformis. Identifiers: Orphanet 302, MedGen C0014522, MONDO:0009176.

Allele frequency attached by ClinVar (database versions not stated): gnomAD 0.00001; TOPMed 0.00001.
gnomAD v4.1: 9 of 1,613,464 alleles (0.00056%); highest among the groups gnomAD compares: Middle Eastern, 0.016%; no homozygotes.

Submissions (2):

Labcorp Genetics (formerly Invitae), Labcorp
Classification: Uncertain significance for Epidermodysplasia verruciformis. Last evaluated: 2025-01-20. Review status: criteria provided, single submitter. Criteria: Invitae Variant Classification Sherloc (09022015). Collection method: clinical testing. Allele origin: germline.
Comment: This sequence change replaces proline, which is neutral and non-polar, with leucine, which is neutral and non-polar, at codon 209 of the TMC8 protein (p.Pro209Leu). This variant is present in population databases (rs760578642, gnomAD 0.004%). This variant has not been reported in the literature in individuals affected with TMC8-related conditions. ClinVar contains an entry for this variant (Variation ID: 1004609). Invitae Evidence Modeling of protein sequence and biophysical properties (such as structural, functional, and spatial information, amino acid conservation, physicochemical variation, residue mobility, and thermodynamic stability) indicates that this missense variant is not expected to disrupt TMC8 protein function with a negative predictive value of 80%. In summary, the available evidence is currently insufficient to determine the role of this variant in disease. Therefore, it has been classified as a Variant of Uncertain Significance.

Breakthrough Genomics
Classification: Uncertain significance. Review status: criteria provided, single submitter. Criteria: ACMG Guidelines, 2015. Collection method: not provided. Allele origin: germline. Inheritance: Autosomal recessive inheritance. Affected: yes.

NM_152468.5(TMC8):c.626C>T (p.Pro209Leu)

Gene: TMC8 (transmembrane channel like 8; plus strand). Cytogenetic location: 17q25.3.
Variant type: single nucleotide variant.
Coding change: c.626C>T on transcript NM_152468.5 (MANE Select); coding-DNA position 626, C replaced by T.
Protein change: p.Pro209Leu; replaces proline 209 with leucine.
Molecular consequence: missense variant.
Genome position (GRCh38, 1-based): chr17:78,133,500, C>T. VCF-style: chr17-78133500-C-T. GRCh37 (hg19) VCF-style: chr17-76129581-C-T.
Other names: short protein forms P209L.
Identifiers: ClinVar variation 1004609 (VCV001004609.9), dbSNP rs760578642, ClinGen allele CA8796538.